The following is an entry in ClinVar:

ClinVar aggregate classification (germline): Benign/Likely benign. Review status: criteria provided, multiple submitters, no conflicts (2 of 4 stars). 2 submissions from 2 submitters: Benign (1); Likely benign (1). Last evaluated 2025-03-21.

Conditions:
Juvenile polyposis syndrome (JPS). Identifiers: Orphanet 2929, MedGen C0345893, MONDO:0017380, OMIM 174900.
Juvenile polyposis/hereditary hemorrhagic telangiectasia syndrome (JPHT). Also called: Juvenile Polyposis Syndrome / Hereditary Hemorrhagic Telangiectasia (JPS/HHT); JP/HHT SYNDROME; JUVENILE POLYPOSIS WITH HEREDITARY HEMORRHAGIC TELANGIECTASIA; POLYPOSIS, GENERALIZED JUVENILE, WITH PULMONARY ARTERIOVENOUS MALFORMATION; TELANGIECTASIA, HEREDITARY HEMORRHAGIC, WITH JUVENILE POLYPOSIS COLI. Identifiers: Orphanet 2929, MedGen C1832942, MONDO:0008278, OMIM 175050.

Submissions (2):

Myriad Genetics, Inc.
Classification: Benign for Juvenile polyposis/hereditary hemorrhagic telangiectasia syndrome. Last evaluated: 2025-03-21. Review status: criteria provided, single submitter. Criteria: Myriad Autosomal Dominant, Autosomal Recessive and X-Linked Classification Criteria (2023). Collection method: clinical testing. Allele origin: unknown.
Comment: This variant is considered benign. This variant is a silent/synonymous amino acid change and it is not expected to impact splicing.

Labcorp Genetics (formerly Invitae), Labcorp
Classification: Likely benign for Juvenile polyposis syndrome. Last evaluated: 2021-12-15. Review status: criteria provided, single submitter. Criteria: Invitae Variant Classification Sherloc (09022015). Collection method: clinical testing. Allele origin: germline.

NM_005359.6(SMAD4):c.1209T>C (p.Ser403=)

Gene: SMAD4 (SMAD family member 4; plus strand). Cytogenetic location: 18q21.2.
Variant type: single nucleotide variant.
Coding change: c.1209T>C on transcript NM_005359.6 (MANE Select); coding-DNA position 1209, T replaced by C.
Protein change: p.Ser403=; no amino-acid change (serine 403 retained).
Molecular consequence: synonymous variant.
Genome position (GRCh38, 1-based): chr18:51,067,088, T>C. VCF-style: chr18-51067088-T-C. GRCh37 (hg19) VCF-style: chr18-48593458-T-C.
Identifiers: ClinVar variation 1648223 (VCV001648223.9), dbSNP rs2144452200, ClinGen allele CA503874241.
Genomic context (GRCh38, chr18:51,067,088, plus strand): 5'-AGGCAAAGGTGTGCAGTTGGAATGTAAAGGTGAAGGTGATGTTTGGGTCAGGTGCCTTAG[T>C]GACCACGCGGTCTTTGTACAGAGTTACTACTTAGACAGAGAAGCTGGGCGTGCACCTGGA-3'
Protein context (NP_005350.1, residues 393-413): GEGDVWVRCL[Ser403=]DHAVFVQSYY